The following is an entry in ClinVar:

ClinVar aggregate classification (germline): Uncertain significance. Review status: criteria provided, multiple submitters, no conflicts (2 of 4 stars). 2 submissions from 2 submitters: Uncertain significance (2). Last evaluated 2023-03-22.

Conditions:
Inborn genetic diseases. Identifiers: MedGen C0950123, MeSH D030342.

Allele frequency attached by ClinVar (database versions not stated): gnomAD exomes 0.00001; ExAC 0.00005; ESP Exome Variant Server 0.00008; TOPMed 0.00012; gnomAD 0.00013.
gnomAD v4.1: 39 of 1,611,712 alleles (0.0024%); highest among the groups gnomAD compares: African/African-American, 0.036%; no homozygotes.

Submissions (2):

Ambry Genetics
Classification: Uncertain significance for Inborn genetic diseases. Last evaluated: 2023-03-22. Review status: criteria provided, single submitter. Criteria: Ambry Variant Classification Scheme 2023. Collection method: clinical testing. Allele origin: germline.

Labcorp Genetics (formerly Invitae), Labcorp
Classification: Uncertain significance. Last evaluated: 2022-05-20. Review status: criteria provided, single submitter. Criteria: Invitae Variant Classification Sherloc (09022015). Collection method: clinical testing. Allele origin: germline.
Comment: This variant has not been reported in the literature in individuals affected with SLC39A14-related conditions. This variant is present in population databases (rs142534611, gnomAD 0.05%). This sequence change replaces valine, which is neutral and non-polar, with isoleucine, which is neutral and non-polar, at codon 221 of the SLC39A14 protein (p.Val221Ile). Algorithms developed to predict the effect of missense changes on protein structure and function (SIFT, PolyPhen-2, Align-GVGD) all suggest that this variant is likely to be tolerated. In summary, the available evidence is currently insufficient to determine the role of this variant in disease. Therefore, it has been classified as a Variant of Uncertain Significance.

NM_001128431.4(SLC39A14):c.661G>A (p.Val221Ile)

Gene: SLC39A14 (solute carrier family 39 member 14; plus strand). Cytogenetic location: 8p21.3.
Variant type: single nucleotide variant.
Coding change: c.661G>A on transcript NM_001128431.4 (MANE Select); coding-DNA position 661, G replaced by A.
Protein change: p.Val221Ile; replaces valine 221 with isoleucine.
Molecular consequence: missense variant.
Genome position (GRCh38, 1-based): chr8:22,414,813, G>A. VCF-style: chr8-22414813-G-A. GRCh37 (hg19) VCF-style: chr8-22272326-G-A.
Other names: c.661G>A, p.Val221Ile (NM_001135153.3, NM_001135154.3, NM_001351655.2 and 3 more transcripts); c.691G>A, p.Val231Ile (NM_001351657.2, NM_001351658.2, NM_001351659.2); c.661G>A (NM_001135153.1); short protein forms V221I, V231I.
Identifiers: ClinVar variation 1907042 (VCV001907042.5), dbSNP rs142534611, ClinGen allele CA4667410.
Genomic context (GRCh38, chr8:22,414,813, plus strand): 5'-ACTCATTTTCTTTTCCTGGGTCCACAGGCATTTGGTTTCAACCCTCTGGAAGATTATTAT[G>A]TCTCCAAGTCTGCAGTGGTGTTTGGGGGCTTTTATCTTTTCTTTTTCACAGAGAAGATCT-3'
Protein context (NP_001121903.1, residues 211-231): FGFNPLEDYY[Val221Ile]SKSAVVFGGF